The following is an entry in ClinVar:

ClinVar aggregate classification (germline): VUS-mid (1 of 4 stars; one submission).

Conditions:
Neurodevelopmental disorder with microcephaly, arthrogryposis, and structural brain anomalies. Identifiers: Orphanet 664923, MedGen C5231431, MONDO:0032838, OMIM 618622.

gnomAD v4.1: 54 of 1,586,352 alleles (0.0034%); highest among the groups gnomAD compares: Non-Finnish European, 0.0043%; no homozygotes.

Submission:

Department of Genetic Medicine, Beijing Chigene Translational Medicine Research Center
Classification: VUS-mid for Neurodevelopmental disorder with microcephaly, arthrogryposis, and structural brain anomalies. Last evaluated: 2026-08-10. Review status: criteria provided, single submitter. Criteria: ACMG Guidelines, 2015. Collection method: clinical testing. Allele origin: paternal. Inheritance: Autosomal recessive inheritance. Affected: yes. Observed: 1 variant allele, 1 compound heterozygote.
Comment: SMPD4 c.2314C>T (p.Arg77Cys) results in a conservative amino acid change in the encoded protein sequence. Multiple in-silico tools(CADD、M-CAP、mutationtaster、SIFT、Provean) predict a damaging effect of the variant on protein function. This variant is not observed at significant frequency in large population cohorts (gnomAD). Based on the evidence outlined above, the variant was classified as uncertain significance.

NM_017951.5(SMPD4):c.2314C>T (p.Arg772Cys)

Gene: SMPD4 (sphingomyelin phosphodiesterase 4; minus strand). Cytogenetic location: 2q21.1.
Variant type: single nucleotide variant.
Coding change: c.2314C>T on transcript NM_017951.5 (MANE Select); coding-DNA position 2314, C replaced by T.
Protein change: p.Arg772Cys; replaces arginine 772 with cysteine.
Molecular consequence: missense variant. On other transcripts: non-coding transcript variant (2).
Genome position (GRCh38, 1-based): chr2:130,152,725, G>A on the plus strand (C>T on the coding strand, the complement: SMPD4 is on the minus strand). VCF-style: chr2-130152725-G-A. GRCh37 (hg19) VCF-style: chr2-130910298-G-A.
Other names: c.2125C>T, p.Arg709Cys (NM_001171083.2); c.2344C>T, p.Arg782Cys (NM_017751.4); short protein forms R709C, R772C, R782C.
Identifiers: ClinVar variation 4884597 (VCV004884597.1).